The following is an entry in ClinVar:

ClinVar aggregate classification (germline): Conflicting classifications of pathogenicity. Review status: criteria provided, conflicting classifications (1 of 4 stars). 4 submissions from 4 submitters: Pathogenic (1); Likely pathogenic (2); Uncertain significance (1). Last evaluated 2024-08-13.

Conditions:
Fetal akinesia deformation sequence 3. Identifiers: MedGen C4760599, MONDO:0100103, OMIM 618389.
Fetal akinesia deformation sequence 1 (FADS1). Also called: Pena-Shokeir syndrome type I; Fetal akinesia sequence. Identifiers: Orphanet 994, MedGen C1276035, MONDO:0100101, OMIM 208150, HP:0001989.
Congenital myasthenic syndrome 10. Also called: Myasthenia, limb-girdle, familial. Identifiers: Orphanet 590, MedGen C1850792, MONDO:0009690, OMIM 254300.
Congenital myasthenic syndrome (CMS). Also called: Congenital Myasthenic Syndromes. Identifiers: Orphanet 590, MedGen C0751882, MeSH D020294, MONDO:0018940.

Allele frequency attached by ClinVar (database versions not stated): gnomAD 0.00001; gnomAD exomes 0.00001; TOPMed 0.00001; ExAC 0.00002.
gnomAD v4.1: 23 of 1,612,616 alleles (0.0014%); highest among the groups gnomAD compares: Admixed American, 0.01%; no homozygotes.

Submissions (4):

Women's Health and Genetics/Laboratory Corporation of America, LabCorp
Classification: Pathogenic for Congenital myasthenic syndrome. Last evaluated: 2024-08-13. Review status: criteria provided, single submitter. Criteria: LabCorp Variant Classification Summary - May 2015. Collection method: clinical testing. Allele origin: germline.
Comment: Variant summary: DOK7 c.379G>A (p.Gly127Ser) results in a non-conservative amino acid change located in the IRS-type PTB domain (IPR002404) of the encoded protein sequence. Five of five in-silico tools predict a damaging effect of the variant on protein function. The variant allele was found at a frequency of 4e-05 in 250258 control chromosomes. This frequency is not significantly higher than estimated for a pathogenic variant in DOK7 causing Congenital Myasthenic Syndrome (4e-05 vs 0.0014), allowing no conclusion about variant significance. c.379G>A has been reported in the literature in three homozygous individuals in a consanguineous family affected with Congenital Myasthenic Syndrome (Alsallum_2021). These data indicate that the variant is very likely to be associated with disease. To our knowledge, no experimental evidence demonstrating an impact on protein function has been reported. The following publication have been ascertained in the context of this evaluation (PMID: 34027146). ClinVar contains an entry for this variant (Variation ID: 2029245). Based on the evidence outlined above, the variant was classified as pathogenic.

Kariminejad - Najmabadi Pathology & Genetics Center
Classification: Likely pathogenic for Congenital myasthenic syndrome 10. Last evaluated: 2024-04-30. Review status: criteria provided, single submitter. Criteria: ACMG Guidelines, 2015. Collection method: clinical testing. Allele origin: germline. Inheritance: Autosomal recessive inheritance. Affected: yes.
Comment: (PM2, PP3-moderate,PP4-supporting,PM1-supporting, PM3-supporting?)

Baylor Genetics
Classification: Likely pathogenic for Fetal akinesia deformation sequence 3. Last evaluated: 2024-02-13. Review status: criteria provided, single submitter. Criteria: ACMG Guidelines, 2015. Collection method: clinical testing. Allele origin: unknown.

Labcorp Genetics (formerly Invitae), Labcorp
Classification: Uncertain significance for Congenital myasthenic syndrome 10; Fetal akinesia deformation sequence 1. Last evaluated: 2022-02-20. Review status: criteria provided, single submitter. Criteria: Invitae Variant Classification Sherloc (09022015). Collection method: clinical testing. Allele origin: germline.
Comment: This sequence change replaces glycine, which is neutral and non-polar, with serine, which is neutral and polar, at codon 127 of the DOK7 protein (p.Gly127Ser). This variant is present in population databases (rs763494431, gnomAD 0.02%). This variant has not been reported in the literature in individuals affected with DOK7-related conditions. Algorithms developed to predict the effect of missense changes on protein structure and function (SIFT, PolyPhen-2, Align-GVGD) all suggest that this variant is likely to be disruptive. In summary, the available evidence is currently insufficient to determine the role of this variant in disease. Therefore, it has been classified as a Variant of Uncertain Significance.

Literature cited by the submitters: PubMed 34027146 (cited by Women's Health and Genetics/Laboratory Corporation of America, LabCorp).

NM_173660.5(DOK7):c.379G>A (p.Gly127Ser)

Gene: DOK7 (docking protein 7; plus strand). Cytogenetic location: 4p16.3.
Variant type: single nucleotide variant.
Coding change: c.379G>A on transcript NM_173660.5 (MANE Select); coding-DNA position 379, G replaced by A.
Protein change: p.Gly127Ser; replaces glycine 127 with serine.
Molecular consequence: missense variant. On other transcripts: intron variant (1).
Genome position (GRCh38, 1-based): chr4:3,476,389, G>A. VCF-style: chr4-3476389-G-A. GRCh37 (hg19) VCF-style: chr4-3478116-G-A.
Other names: c.379G>A, p.Gly127Ser (NM_001164673.2, NM_001301071.2); c.101-9150G>A (NM_001363811.2); short protein forms G127S.
Identifiers: ClinVar variation 2029245 (VCV002029245.4), dbSNP rs763494431, ClinGen allele CA2828984.